The following is an entry in ClinVar:

ClinVar aggregate classification (germline): Uncertain significance. Review status: criteria provided, multiple submitters, no conflicts (2 of 4 stars). 3 submissions from 3 submitters: Uncertain significance (2). 1 of the submissions does not count toward it. Last evaluated 2025-08-14.

Conditions:
Inborn genetic diseases. Identifiers: MedGen C0950123, MeSH D030342.

Allele frequency attached by ClinVar (database versions not stated): ExAC 0.00002.
gnomAD v4.1: 58 of 1,613,894 alleles (0.0036%); highest among the groups gnomAD compares: Non-Finnish European, 0.0048%; no homozygotes.

Submissions (3):

Ambry Genetics
Classification: Uncertain significance for Inborn genetic diseases. Last evaluated: 2025-08-14. Review status: criteria provided, single submitter. Criteria: Ambry Variant Classification Scheme 2023. Collection method: clinical testing. Allele origin: germline.

Women's Health and Genetics/Laboratory Corporation of America, LabCorp
Classification: Uncertain significance. Last evaluated: 2024-05-01. Review status: criteria provided, single submitter. Criteria: LabCorp Variant Classification Summary - May 2015. Collection method: clinical testing. Allele origin: germline.

Department of Pathology and Laboratory Medicine, Sinai Health System
Classification: Uncertain significance. Review status: no assertion criteria provided. Collection method: clinical testing. Allele origin: unknown. Affected: yes. Study: The Canadian Open Genetics Repository (COGR). Not counted in ClinVar's aggregate classification.
Comment: The OBSL1 p.Arg769Leu variant was not identified in the literature nor was it identified in ClinVar, Cosmic or LOVD 3.0. The variant was identified in dbSNP (ID: rs372837798) and in 6 of 280670 chromosomes at a frequency of 0.000021 (Genome Aggregation Database Feb 27, 2017). The variant was observed in the following populations: Other in 1 of 7150 chromosomes (freq: 0.00014) and European (non-Finnish) in 5 of 128434 chromosomes (freq: 0.000039); it was not observed in the African, Latino, Ashkenazi Jewish, East Asian, European (Finnish) and South Asian populations. The variant occurs outside of the splicing consensus sequence and in silico or computational prediction software programs (SpliceSiteFinder, MaxEntScan, NNSPLICE, GeneSplicer) do not predict a difference in splicing. The p.Arg769 residue is not conserved in mammals and four out of five computational analyses (PolyPhen-2, SIFT, AlignGVGD, MutationTaster) do not suggest a high likelihood of impact to the protein; however, this information is not predictive enough to rule out pathogenicity. In summary, based on the above information the clinical significance of this variant cannot be determined with certainty at this time. This variant is classified as a variant of uncertain significance.

NM_015311.3(OBSL1):c.2306G>T (p.Arg769Leu)

Gene: OBSL1 (obscurin like cytoskeletal adaptor 1; minus strand). Cytogenetic location: 2q35.
Variant type: single nucleotide variant.
Coding change: c.2306G>T on transcript NM_015311.3 (MANE Select); coding-DNA position 2306, G replaced by T.
Protein change: p.Arg769Leu; replaces arginine 769 with leucine.
Molecular consequence: missense variant.
Genome position (GRCh38, 1-based): chr2:219,565,343, C>A on the plus strand (G>T on the coding strand, the complement: OBSL1 is on the minus strand). VCF-style: chr2-219565343-C-A. GRCh37 (hg19) VCF-style: chr2-220430065-C-A.
Other names: c.2306G>T, p.Arg769Leu (NM_001173408.2, NM_001173431.2); c.2306G>T (NM_015311.2); short protein forms R769L.
Identifiers: ClinVar variation 1048969 (VCV001048969.3), dbSNP rs372837798, ClinGen allele CA2131276.